The following is an entry in ClinVar:

ClinVar aggregate classification (germline): Likely pathogenic (1 of 4 stars; one submission).

Conditions:
VPS13B-related disorder. Also called: VPS13B-related condition.

gnomAD v4.1: 1 of 1,613,366 alleles (0.000062%); highest among the groups gnomAD compares: Admixed American, 0.0017%; no homozygotes.

Submission:

PreventionGenetics, part of Exact Sciences
Classification: Likely pathogenic for VPS13B-related condition. Last evaluated: 2026-03-06. Review status: criteria provided, single submitter. Criteria: ACMG Guidelines, 2015. Collection method: clinical testing. Allele origin: germline.
Comment: The VPS13B c.11368G>T variant is predicted to result in premature protein termination (p.Glu3790*). To our knowledge, this variant has not been reported in the literature or in a large population database (gnomAD), indicating this variant is rare. Nonsense variants in VPS13B are expected to be pathogenic. This variant is interpreted as likely pathogenic.

NM_152564.5(VPS13B):c.11368G>T (p.Glu3790Ter)

Gene: VPS13B (vacuolar protein sorting 13 homolog B; plus strand). Cytogenetic location: 8q22.2.
Variant type: single nucleotide variant.
Coding change: c.11368G>T on transcript NM_152564.5 (MANE Select); coding-DNA position 11368, G replaced by T.
Protein change: p.Glu3790Ter; replaces glutamic acid 3790 with a stop codon.
Molecular consequence: nonsense.
Genome position (GRCh38, 1-based): chr8:99,868,441, G>T. VCF-style: chr8-99868441-G-T. GRCh37 (hg19) VCF-style: chr8-100880669-G-T.
Other names: c.11443G>T, p.Glu3815Ter (NM_017890.5); short protein forms E3815*, E3790*.
Identifiers: ClinVar variation 4993585 (VCV004993585.1).